The following is an entry in ClinVar:

ClinVar aggregate classification (germline): Uncertain significance (1 of 4 stars; one submission).

Conditions:
Brugada syndrome 4 (BRGDA4). Identifiers: Orphanet 130, MedGen C2678477, MONDO:0012743, OMIM 611876.

Allele frequency attached by ClinVar (database versions not stated): TOPMed below 0.00001; gnomAD 0.00001.
gnomAD v4.1: 1 of 1,613,852 alleles (0.000062%); highest among the groups gnomAD compares: Non-Finnish European, 0.000085%; no homozygotes.

Submission:

Labcorp Genetics (formerly Invitae), Labcorp
Classification: Uncertain significance for Brugada syndrome 4. Last evaluated: 2020-07-08. Review status: criteria provided, single submitter. Criteria: Invitae Variant Classification Sherloc (09022015). Collection method: clinical testing. Allele origin: germline.
Comment: This variant has not been reported in the literature in individuals with CACNB2-related conditions. In summary, the available evidence is currently insufficient to determine the role of this variant in disease. Therefore, it has been classified as a Variant of Uncertain Significance. Algorithms developed to predict the effect of missense changes on protein structure and function are either unavailable or do not agree on the potential impact of this missense change (SIFT: "Tolerated"; PolyPhen-2: "Probably Damaging"; Align-GVGD: "Class C0"). This variant is not present in population databases (ExAC no frequency). This sequence change replaces histidine with leucine at codon 564 of the CACNB2 protein (p.His564Leu). The histidine residue is highly conserved and there is a moderate physicochemical difference between histidine and leucine.

NM_201596.3(CACNB2):c.1853A>T (p.His618Leu)

Gene: CACNB2 (calcium voltage-gated channel auxiliary subunit beta 2; plus strand). Cytogenetic location: 10p12.31.
Variant type: single nucleotide variant.
Coding change: c.1853A>T on transcript NM_201596.3 (MANE Select); coding-DNA position 1853, A replaced by T.
Protein change: p.His618Leu; replaces histidine 618 with leucine.
Molecular consequence: missense variant.
Genome position (GRCh38, 1-based): chr10:18,539,594, A>T. VCF-style: chr10-18539594-A-T. GRCh37 (hg19) VCF-style: chr10-18828523-A-T.
Other names: c.1688A>T, p.His563Leu (NM_000724.4); c.1655A>T, p.His552Leu (NM_001167945.2); c.1574A>T, p.His525Leu (NM_001330060.2); c.1709A>T, p.His570Leu (NM_201570.3); c.1769A>T, p.His590Leu (NM_201571.4); c.1697A>T, p.His566Leu (NM_201572.4); c.1691A>T, p.His564Leu (NM_201590.3); c.1739A>T, p.His580Leu (NM_201593.3); and 1 more; short protein forms H525L, H552L, H563L, H564L, H566L, H570L, H580L, H590L.
Identifiers: ClinVar variation 1054949 (VCV001054949.9), dbSNP rs1457911789, ClinGen allele CA376072625.